The following is an entry in ClinVar:

NM_017617.5(NOTCH1):c.3685G>A (p.Val1229Ile)

Gene: NOTCH1 (notch receptor 1; minus strand). Cytogenetic location: 9q34.3.
Variant type: single nucleotide variant.
Coding change: c.3685G>A on transcript NM_017617.5 (MANE Select); coding-DNA position 3685, G replaced by A.
Protein change: p.Val1229Ile; replaces valine 1229 with isoleucine.
Molecular consequence: missense variant.
Genome position (GRCh38, 1-based): chr9:136,506,932, C>T on the plus strand (G>A on the coding strand, the complement: NOTCH1 is on the minus strand). VCF-style: chr9-136506932-C-T. GRCh37 (hg19) VCF-style: chr9-139401384-C-T.
Other names: short protein forms V1229I.
Identifiers: ClinVar variation 962526 (VCV000962526.11), dbSNP rs766198119, ClinGen allele CA5340823.

ClinVar aggregate classification (germline): Conflicting classifications of pathogenicity. Review status: criteria provided, conflicting classifications (1 of 4 stars). 2 submissions from 2 submitters: Uncertain significance (1); Benign (1). Last evaluated 2025-09-20.

Conditions:
Adams-Oliver syndrome 5 (AOS5). Identifiers: Orphanet 974, MedGen C4014970, MONDO:0014459, OMIM 616028.
Familial thoracic aortic aneurysm and aortic dissection (TAAD). Also called: Thoracic aortic aneurysms and dissections. Identifiers: Orphanet 91387, MedGen C4707243, MONDO:0019625.

Allele frequency attached by ClinVar (database versions not stated): gnomAD 0.00001; TOPMed 0.00001; ExAC 0.00002; gnomAD exomes 0.00002.
gnomAD v4.1: 22 of 1,611,114 alleles (0.0014%); highest among the groups gnomAD compares: South Asian, 0.0055%; no homozygotes.

Submissions (2):

Labcorp Genetics (formerly Invitae), Labcorp
Classification: Benign for Adams-Oliver syndrome 5. Last evaluated: 2025-09-20. Review status: criteria provided, single submitter. Criteria: Invitae Variant Classification Sherloc (09022015). Collection method: clinical testing. Allele origin: germline.

Ambry Genetics
Classification: Uncertain significance for Familial thoracic aortic aneurysm and aortic dissection. Last evaluated: 2021-02-24. Review status: criteria provided, single submitter. Criteria: Ambry Variant Classification Scheme 2023. Collection method: clinical testing. Allele origin: germline.
Comment: The p.V1229I variant (also known as c.3685G>A), located in coding exon 23 of the NOTCH1 gene, results from a G to A substitution at nucleotide position 3685. The valine at codon 1229 is replaced by isoleucine, an amino acid with highly similar properties. This amino acid position is poorly conserved in available vertebrate species. In addition, this alteration is predicted to be tolerated by in silico analysis. Since supporting evidence is limited at this time, the clinical significance of this alteration remains unclear.